The following is an entry in ClinVar:

NM_015046.7(SETX):c.3385G>A (p.Glu1129Lys)

Gene: SETX (senataxin; minus strand). Cytogenetic location: 9q34.13.
Variant type: single nucleotide variant.
Coding change: c.3385G>A on transcript NM_015046.7 (MANE Select); coding-DNA position 3385, G replaced by A.
Protein change: p.Glu1129Lys; replaces glutamic acid 1129 with lysine.
Molecular consequence: missense variant.
Genome position (GRCh38, 1-based): chr9:132,328,213, C>T on the plus strand (G>A on the coding strand, the complement: SETX is on the minus strand). VCF-style: chr9-132328213-C-T. GRCh37 (hg19) VCF-style: chr9-135203600-C-T.
Other names: c.3385G>A, p.Glu1129Lys (NM_001351527.2, NM_001351528.2); short protein forms E1129K.
Identifiers: ClinVar variation 948768 (VCV000948768.12), dbSNP rs778505279, ClinGen allele CA5297412.
Genomic context (GRCh38, chr9:132,328,213, plus strand): 5'-CAGAAATACTCCGTGGTCTTGTGTGTTCTTCAATGCCCTCTGCTCCTTTTTTAACAACTT[C>T]AGATACATAATCTGTACAACCCTGACCATTTGTAGTATTGGCTATAGGAGCCAAACATTT-3'
Protein context (NP_055861.3, residues 1119-1139): NGQGCTDYVS[Glu1129Lys]VVKKGAEGIE

ClinVar aggregate classification (germline): Uncertain significance. Review status: criteria provided, multiple submitters, no conflicts (2 of 4 stars). 4 submissions from 3 submitters: Uncertain significance (4). Last evaluated 2023-02-08.

Conditions:
Inborn genetic diseases. Identifiers: MedGen C0950123, MeSH D030342.
Amyotrophic lateral sclerosis type 4 (ALS4). Also called: AMYOTROPHIC LATERAL SCLEROSIS 4, JUVENILE; NEURONOPATHY, DISTAL HEREDITARY MOTOR, WITH PYRAMIDAL FEATURES. Identifiers: Orphanet 357043, MedGen C1865409, MONDO:0011223, OMIM 602433.
Spinocerebellar ataxia, autosomal recessive, with axonal neuropathy 2 (SCAN2). Also called: Ataxia with Oculomotor Apraxia; Ataxia with Oculomotor Apraxia Type 2; Ataxia-ocular apraxia-2; ATAXIA-OCULOMOTOR APRAXIA 2. Identifiers: Orphanet 64753, MedGen C1853761, MONDO:0018996, OMIM 606002.

Allele frequency attached by ClinVar (database versions not stated): gnomAD exomes 0.00001; TOPMed 0.00001; ExAC 0.00002.
gnomAD v4.1: 4 of 1,614,206 alleles (0.00025%); highest among the groups gnomAD compares: Non-Finnish European, 0.00034%; no homozygotes.

Submissions (4):

Genome-Nilou Lab
Classification: Uncertain significance for Spinocerebellar ataxia, autosomal recessive, with axonal neuropathy 2. Last evaluated: 2023-02-08. Review status: criteria provided, single submitter. Criteria: ACMG Guidelines, 2015. Collection method: clinical testing. Allele origin: germline.

Genome-Nilou Lab
Classification: Uncertain significance for Amyotrophic lateral sclerosis type 4. Last evaluated: 2023-02-08. Review status: criteria provided, single submitter. Criteria: ACMG Guidelines, 2015. Collection method: clinical testing. Allele origin: germline.

Ambry Genetics
Classification: Uncertain significance for Inborn genetic diseases. Last evaluated: 2021-04-26. Review status: criteria provided, single submitter. Criteria: Ambry Variant Classification Scheme 2023. Collection method: clinical testing. Allele origin: germline.
Comment: The p.E1129K variant (also known as c.3385G>A), located in coding exon 8 of the SETX gene, results from a G to A substitution at nucleotide position 3385. The glutamic acid at codon 1129 is replaced by lysine, an amino acid with similar properties. This amino acid position is not well conserved in available vertebrate species. In addition, this alteration is predicted to be tolerated by in silico analysis. Since supporting evidence is limited at this time, the clinical significance of this alteration remains unclear.

Labcorp Genetics (formerly Invitae), Labcorp
Classification: Uncertain significance for Amyotrophic lateral sclerosis type 4; Spinocerebellar ataxia, autosomal recessive, with axonal neuropathy 2. Last evaluated: 2019-05-23. Review status: criteria provided, single submitter. Criteria: Invitae Variant Classification Sherloc (09022015). Collection method: clinical testing. Allele origin: germline.
Comment: This sequence change replaces glutamic acid with lysine at codon 1129 of the SETX protein (p.Glu1129Lys). The glutamic acid residue is weakly conserved and there is a small physicochemical difference between glutamic acid and lysine. This variant is present in population databases (rs778505279, ExAC 0.003%). This variant has not been reported in the literature in individuals with SETX-related conditions. Algorithms developed to predict the effect of missense changes on protein structure and function (SIFT, PolyPhen-2, Align-GVGD) all suggest that this variant is likely to be tolerated, but these predictions have not been confirmed by published functional studies and their clinical significance is uncertain. In summary, the available evidence is currently insufficient to determine the role of this variant in disease. Therefore, it has been classified as a Variant of Uncertain Significance.